The following is an entry in ClinVar:

ClinVar aggregate classification (germline): Uncertain significance (1 of 4 stars; one submission).

Conditions:
Marfan syndrome (MFS). Also called: FBN1-Related Marfan Syndrome; MARFAN SYNDROME, TYPE I; Marfan syndrome type 1; Marfan's syndrome; Marfan syndrome, classic. Identifiers: Orphanet 284963, Orphanet 558, MedGen C0024796, MONDO:0007947, OMIM 154700.
Familial thoracic aortic aneurysm and aortic dissection (TAAD). Also called: Thoracic aortic aneurysms and dissections. Identifiers: Orphanet 91387, MedGen C4707243, MONDO:0019625.

Submission:

Labcorp Genetics (formerly Invitae), Labcorp
Classification: Uncertain significance for Marfan syndrome; Familial thoracic aortic aneurysm and aortic dissection. Last evaluated: 2025-05-19. Review status: criteria provided, single submitter. Criteria: Invitae Variant Classification Sherloc (09022015). Collection method: clinical testing. Allele origin: germline.
Comment: This sequence change replaces alanine, which is neutral and non-polar, with threonine, which is neutral and polar, at codon 945 of the FBN1 protein (p.Ala945Thr). This variant is not present in population databases (gnomAD no frequency). This variant has not been reported in the literature in individuals affected with FBN1-related conditions. Invitae Evidence Modeling of protein sequence and biophysical properties (such as structural, functional, and spatial information, amino acid conservation, physicochemical variation, residue mobility, and thermodynamic stability) indicates that this missense variant is not expected to disrupt FBN1 protein function with a negative predictive value of 95%. In summary, the available evidence is currently insufficient to determine the role of this variant in disease. Therefore, it has been classified as a Variant of Uncertain Significance.

NM_000138.5(FBN1):c.2833G>A (p.Ala945Thr)

Gene: FBN1 (fibrillin 1; minus strand). Cytogenetic location: 15q21.1.
Variant type: single nucleotide variant.
Coding change: c.2833G>A on transcript NM_000138.5 (MANE Select); coding-DNA position 2833, G replaced by A.
Protein change: p.Ala945Thr; replaces alanine 945 with threonine.
Molecular consequence: missense variant.
Genome position (GRCh38, 1-based): chr15:48,492,482, C>T on the plus strand (G>A on the coding strand, the complement: FBN1 is on the minus strand). VCF-style: chr15-48492482-C-T. GRCh37 (hg19) VCF-style: chr15-48784679-C-T.
Other names: c.2833G>A, p.Ala945Thr (NM_001406716.1); short protein forms A945T.
Identifiers: ClinVar variation 4789661 (VCV004789661.1).
Genomic context (GRCh38, chr15:48,492,482, plus strand): 5'-ATAAATTATTATTAGAAAAATAATGAGCTCAGTATTTACCAAGACAGATCCTTCCTGTGG[C>T]ATCCAAAGTCATTCCACTGGGACACTGACACTTGAATGACCCCCTAGTGTTAACACACAG-3'
Protein context (NP_000129.3, residues 935-955): CQCPSGMTLD[Ala945Thr]TGRICLDIRL